The following is an entry in ClinVar:

NM_001846.4(COL4A2):c.4784C>G (p.Ala1595Gly)

Genes: COL4A2 (collagen type IV alpha 2 chain; plus strand), COL4A2-AS1 (COL4A2 antisense RNA 1; minus strand). Cytogenetic location: 13q34.
Variant type: single nucleotide variant.
Coding change: c.4784C>G on transcript NM_001846.4 (MANE Select); coding-DNA position 4784, C replaced by G.
Protein change: p.Ala1595Gly; replaces alanine 1595 with glycine.
Molecular consequence: missense variant. On other transcripts: non-coding transcript variant (1).
Genome position (GRCh38, 1-based): chr13:110,508,124, C>G. VCF-style: chr13-110508124-C-G. GRCh37 (hg19) VCF-style: chr13-111160471-C-G.
Other names: short protein forms A1595G.
Identifiers: ClinVar variation 2070287 (VCV002070287.4), dbSNP rs2502217773, ClinGen allele CA388741611.

ClinVar aggregate classification (germline): Uncertain significance (1 of 4 stars; one submission).

Submission:

Labcorp Genetics (formerly Invitae), Labcorp
Classification: Uncertain significance. Last evaluated: 2022-08-16. Review status: criteria provided, single submitter. Criteria: Invitae Variant Classification Sherloc (09022015). Collection method: clinical testing. Allele origin: germline.
Comment: This sequence change replaces alanine, which is neutral and non-polar, with glycine, which is neutral and non-polar, at codon 1595 of the COL4A2 protein (p.Ala1595Gly). This variant is not present in population databases (gnomAD no frequency). This variant has not been reported in the literature in individuals affected with COL4A2-related conditions. Advanced modeling of protein sequence and biophysical properties (such as structural, functional, and spatial information, amino acid conservation, physicochemical variation, residue mobility, and thermodynamic stability) performed at Invitae indicates that this missense variant is not expected to disrupt COL4A2 protein function. In summary, the available evidence is currently insufficient to determine the role of this variant in disease. Therefore, it has been classified as a Variant of Uncertain Significance.